The following is an entry in ClinVar:

ClinVar aggregate classification (germline): Pathogenic (3 of 4 stars; one submission).

Conditions:
Phenylketonuria (PKU). Also called: Phenylketonurias; FOLLING DISEASE; OLIGOPHRENIA PHENYLPYRUVICA; Phenylketonuria (PKU). Identifiers: Orphanet 716, MedGen C0031485, MONDO:0009861, OMIM 261600. Disease mechanism: loss of function.

Submission:

ClinGen PAH Variant Curation Expert Panel
Classification: Pathogenic for Phenylketonuria. Last evaluated: 2023-12-30. Review status: reviewed by expert panel. Criteria: ClinGen PAH ACMG Specifications v1. Collection method: curation. Allele origin: germline. Inheritance: Autosomal recessive inheritance.
Comment: BH4 deficiency was excluded. (PP4_Moderate, PM3; PMID: 26322415). This variant is absent from controls in ExAC/gnomAD, 1000 Genomes, or ESP (PM2_supporting). It is a null variant (canonical +/- 1 or 2 splice sites) in a gene where LOF is a known mechanism of disease, exon skipping disrupts reading frame, and is predicted to undergo NMD. Coding exon 4 is present in biologically-relevant transcript. (PVS1) In summary, this variant meets criteria to be classified as pathogenic for PAH. PAH-specific ACMG/AMP criteria applied: PVS1, PM2_supporting, PM3, PP4_Moderate.

Literature cited by the submitters: PubMed 26322415.

NM_000277.3(PAH):c.353-2A>T

Gene: PAH (phenylalanine hydroxylase; minus strand). Cytogenetic location: 12q23.2.
Variant type: single nucleotide variant.
Coding change: c.353-2A>T on transcript NM_000277.3 (MANE Select); the canonical splice acceptor site of the intron before coding-DNA position 353, A replaced by T.
Molecular consequence: splice acceptor variant.
Genome position (GRCh38, 1-based): chr12:102,877,552, T>A on the plus strand (A>T on the coding strand, the complement: PAH is on the minus strand). VCF-style: chr12-102877552-T-A. GRCh37 (hg19) VCF-style: chr12-103271330-T-A.
Other names: NM_000277.3:c.353-2A>T; c.353-2A>T (NM_001354304.2).
Identifiers: ClinVar variation 2682168 (VCV002682168.1), dbSNP rs1876628624, ClinGen allele CA16020772.